The following is an entry in ClinVar:

ClinVar aggregate classification (germline): Likely benign. Review status: criteria provided, multiple submitters, no conflicts (2 of 4 stars). 3 submissions from 3 submitters: Likely benign (2). 1 of the submissions does not count toward it. Last evaluated 2025-02-27.

Conditions:
CACNA2D4-related disorder. Also called: CACNA2D4-related condition.

Allele frequency attached by ClinVar (database versions not stated): ExAC 0.00001; TOPMed 0.00001; gnomAD 0.00002; gnomAD exomes 0.00002.
gnomAD v4.1: 36 of 1,613,474 alleles (0.0022%); highest among the groups gnomAD compares: South Asian, 0.0055%; no homozygotes.

Submissions (3):

Labcorp Genetics (formerly Invitae), Labcorp
Classification: Likely benign. Last evaluated: 2025-02-27. Review status: criteria provided, single submitter. Criteria: Invitae Variant Classification Sherloc (09022015). Collection method: clinical testing. Allele origin: germline.

Blueprint Genetics
Classification: Likely benign. Last evaluated: 2023-05-09. Review status: criteria provided, single submitter. Criteria: ACMG Guidelines, 2015. Collection method: clinical testing. Allele origin: germline.

PreventionGenetics, part of Exact Sciences
Classification: Likely benign for CACNA2D4-related condition. Last evaluated: 2020-03-18. Review status: no assertion criteria provided. Collection method: clinical testing. Allele origin: germline. Not counted in ClinVar's aggregate classification.
Comment: This variant is classified as likely benign based on ACMG/AMP sequence variant interpretation guidelines (Richards et al. 2015 PMID: 25741868, with internal and published modifications).

NM_172364.5(CACNA2D4):c.1995G>A (p.Thr665=)

Gene: CACNA2D4 (calcium voltage-gated channel auxiliary subunit alpha2delta 4; minus strand). Cytogenetic location: 12p13.33.
Variant type: single nucleotide variant.
Coding change: c.1995G>A on transcript NM_172364.5 (MANE Select); coding-DNA position 1995, G replaced by A.
Protein change: p.Thr665=; no amino-acid change (threonine 665 retained).
Molecular consequence: synonymous variant.
Genome position (GRCh38, 1-based): chr12:1,858,590, C>T on the plus strand (G>A on the coding strand, the complement: CACNA2D4 is on the minus strand). VCF-style: chr12-1858590-C-T. GRCh37 (hg19) VCF-style: chr12-1967756-C-T.
Other names: c.1995G>A (NM_172364.4).
Identifiers: ClinVar variation 1919704 (VCV001919704.8), dbSNP rs748837115, ClinGen allele CA6386899.